The following is an entry in ClinVar:

ClinVar aggregate classification (germline): Uncertain significance (1 of 4 stars; one submission).

Conditions:
Hereditary cancer-predisposing syndrome. Also called: Neoplastic Syndromes, Hereditary; Tumor predisposition; Hereditary neoplastic syndrome; Hereditary Cancer Syndrome. Identifiers: Orphanet 140162, MedGen C0027672, MeSH D009386, MONDO:0015356.

Submission:

Ambry Genetics
Classification: Uncertain significance for Hereditary cancer-predisposing syndrome. Last evaluated: 2022-11-18. Review status: criteria provided, single submitter. Criteria: Ambry Variant Classification Scheme 2023. Collection method: clinical testing. Allele origin: germline.
Comment: The p.I1097M variant (also known as c.3291A>G), located in coding exon 23 of the MSH3 gene, results from an A to G substitution at nucleotide position 3291. The isoleucine at codon 1097 is replaced by methionine, an amino acid with highly similar properties. This amino acid position is conserved. In addition, this alteration is predicted to be tolerated by in silico analysis. Since supporting evidence is limited at this time, the clinical significance of this alteration remains unclear.

NM_002439.5(MSH3):c.3291A>G (p.Ile1097Met)

Gene: MSH3 (mutS homolog 3; plus strand). Cytogenetic location: 5q14.1.
Variant type: single nucleotide variant.
Coding change: c.3291A>G on transcript NM_002439.5 (MANE Select); coding-DNA position 3291, A replaced by G.
Protein change: p.Ile1097Met; replaces isoleucine 1097 with methionine.
Molecular consequence: missense variant.
Genome position (GRCh38, 1-based): chr5:80,873,276, A>G. VCF-style: chr5-80873276-A-G. GRCh37 (hg19) VCF-style: chr5-80169095-A-G.
Other names: short protein forms I1097M.
Identifiers: ClinVar variation 2451043 (VCV002451043.2), dbSNP rs2478805509, ClinGen allele CA360347168.
Genomic context (GRCh38, chr5:80,873,276, plus strand): 5'-TGTTCCTGGAGAAATTTTGAAGAAAGCAGCTCACAAGTCAAAAGAGCTGGAAGGATTAAT[A>G]AATACGAAAAGGTCAGAGTGATTATGCTGCATTTTTTCATTTGTAATGAAACCTTCTAAG-3'
Protein context (NP_002430.3, residues 1087-1107): AHKSKELEGL[Ile1097Met]NTKRKRLKYF